The following is an entry in ClinVar:

NM_018474.6(KIZ):c.914C>T (p.Thr305Ile)

Gene: KIZ (kizuna centrosomal protein; plus strand). Cytogenetic location: 20p11.23.
Variant type: single nucleotide variant.
Coding change: c.914C>T on transcript NM_018474.6 (MANE Select); coding-DNA position 914, C replaced by T.
Protein change: p.Thr305Ile; replaces threonine 305 with isoleucine.
Molecular consequence: missense variant.
Genome position (GRCh38, 1-based): chr20:21,162,379, C>T. VCF-style: chr20-21162379-C-T. GRCh37 (hg19) VCF-style: chr20-21143020-C-T.
Other names: c.605C>T, p.Thr202Ile (NM_001163022.3, NM_001352435.2); c.515C>T, p.Thr172Ile (NM_001163023.3); c.767C>T, p.Thr256Ile (NM_001276389.2); c.914C>T, p.Thr305Ile (NM_001352434.2); c.572C>T, p.Thr191Ile (NM_001352436.2); c.914C>T (NM_018474.4); short protein forms T172I, T191I, T202I, T256I, T305I.
Identifiers: ClinVar variation 1436223 (VCV001436223.2), dbSNP rs200799486, ClinGen allele CA408493006.
Genomic context (GRCh38, chr20:21,162,379, plus strand): 5'-AGAACAGAACCACTGATTTAAAGTGTGACAGTTCCAGCGGATCAGAGGGAGAAATACTGA[C>T]ACGGGAACATATTGAAGTTGAGGAAAAAAGAGCCAGCCCGCCAGTCTCTCCGATACCAGT-3'
Protein context (NP_060944.3, residues 295-315): SSSGSEGEIL[Thr305Ile]REHIEVEEKR

ClinVar aggregate classification (germline): Uncertain significance. Review status: criteria provided, multiple submitters, no conflicts (2 of 4 stars). 2 submissions from 2 submitters: Uncertain significance (2). Last evaluated 2024-02-12.

Submissions (2):

Ambry Genetics
Classification: Uncertain significance. Last evaluated: 2024-02-12. Review status: criteria provided, single submitter. Criteria: Ambry Variant Classification Scheme 2023. Collection method: clinical testing. Allele origin: germline.

Labcorp Genetics (formerly Invitae), Labcorp
Classification: Uncertain significance. Last evaluated: 2021-08-11. Review status: criteria provided, single submitter. Criteria: Invitae Variant Classification Sherloc (09022015). Collection method: clinical testing. Allele origin: germline.
Comment: This variant, c.914_918delins17, is a complex sequence change that results in the deletion of 2 and insertion of 6 amino acid(s) in the KIZ protein (p.Thr305_Arg306delinsIleArgTrpGluHisIle). The frequency data for this variant in the population databases is not available, as this variant may be reported as separate entries in the ExAC database. This variant has not been reported in the literature in individuals affected with KIZ-related conditions. Experimental studies and prediction algorithms are not available or were not evaluated, and the functional significance of this variant is currently unknown. In summary, the available evidence is currently insufficient to determine the role of this variant in disease. Therefore, it has been classified as a Variant of Uncertain Significance.